The following is an entry in ClinVar:

NM_002392.6(MDM2):c.1030A>G (p.Lys344Glu)

Gene: MDM2 (MDM2 proto-oncogene; plus strand). Cytogenetic location: 12q15.
Variant type: single nucleotide variant.
Coding change: c.1030A>G on transcript NM_002392.6 (MANE Select); coding-DNA position 1030, A replaced by G.
Protein change: p.Lys344Glu; replaces lysine 344 with glutamic acid.
Molecular consequence: missense variant.
Genome position (GRCh38, 1-based): chr12:68,839,385, A>G. VCF-style: chr12-68839385-A-G. GRCh37 (hg19) VCF-style: chr12-69233165-A-G.
Other names: c.871A>G, p.Lys291Glu (NM_001145337.3); c.865A>G, p.Lys289Glu (NM_001145339.2); c.424A>G, p.Lys142Glu (NM_001145340.3); c.502A>G, p.Lys168Glu (NM_001278462.2); c.1012A>G, p.Lys338Glu (NM_001367990.1); short protein forms K142E, K168E, K291E, K344E, K338E, K289E.
Identifiers: ClinVar variation 2015499 (VCV002015499.4), dbSNP rs2499254990, ClinGen allele CA385704618.

ClinVar aggregate classification (germline): Uncertain significance (1 of 4 stars; one submission).

Conditions:
Accelerated tumor formation, susceptibility to (ACTFS). Identifiers: MedGen C3280690, OMIM 614401, MONDO:0013733.

Allele frequency attached by ClinVar (database versions not stated): gnomAD exomes below 0.00001.
gnomAD v4.1: 1 of 1,614,028 alleles (0.000062%); highest among the groups gnomAD compares: Non-Finnish European, 0.000085%; no homozygotes.

Submission:

Labcorp Genetics (formerly Invitae), Labcorp
Classification: Uncertain significance for Accelerated tumor formation, susceptibility to. Last evaluated: 2022-07-09. Review status: criteria provided, single submitter. Criteria: Invitae Variant Classification Sherloc (09022015). Collection method: clinical testing. Allele origin: germline.
Comment: This sequence change replaces lysine, which is basic and polar, with glutamic acid, which is acidic and polar, at codon 344 of the MDM2 protein (p.Lys344Glu). This variant is not present in population databases (gnomAD no frequency). This variant has not been reported in the literature in individuals affected with MDM2-related conditions. Algorithms developed to predict the effect of missense changes on protein structure and function are either unavailable or do not agree on the potential impact of this missense change (SIFT: "Tolerated"; PolyPhen-2: "Probably Damaging"; Align-GVGD: "Class C0"). In summary, the available evidence is currently insufficient to determine the role of this variant in disease. Therefore, it has been classified as a Variant of Uncertain Significance.